The following is an entry in ClinVar:

ClinVar aggregate classification (germline): Pathogenic (1 of 4 stars; one submission).

Submission:

Labcorp Genetics (formerly Invitae), Labcorp
Classification: Pathogenic. Last evaluated: 2023-06-07. Review status: criteria provided, single submitter. Criteria: Invitae Variant Classification Sherloc (09022015). Collection method: clinical testing. Allele origin: germline.
Comment: For these reasons, this variant has been classified as Pathogenic. This variant has not been reported in the literature in individuals affected with SLC4A11-related conditions. This variant is not present in population databases (gnomAD no frequency). This sequence change creates a premature translational stop signal (p.Lys516Serfs*118) in the SLC4A11 gene. It is expected to result in an absent or disrupted protein product. Loss-of-function variants in SLC4A11 are known to be pathogenic (PMID: 17220209, 17679935).

Literature cited by the submitters: PubMed 17220209; PubMed 17679935.

NM_001174089.2(SLC4A11):c.1499del (p.Lys500fs)

Gene: SLC4A11 (solute carrier family 4 member 11; minus strand). Cytogenetic location: 20p13.
Variant type: Deletion.
Coding change: c.1499del on transcript NM_001174089.2 (MANE Select); coding-DNA position 1499, one base deleted (A; older notation c.1499delA).
Protein change: p.Lys500fs; shifts the reading frame from lysine 500.
Molecular consequence: frameshift variant. On other transcripts: non-coding transcript variant (2).
Genome position (GRCh38, 1-based): chr20:3,229,767, T deleted on the plus strand (A on the coding strand, the reverse complement: SLC4A11 is on the minus strand); the first of 2 consecutive T bases (chr20:3,229,767-3,229,768); deleting either gives the same sequence. VCF-style (leftmost placement, unchanged base first): chr20-3229766-CT-C. GRCh37 (hg19) VCF-style: chr20-3210412-CT-C.
Other names: c.1628del, p.Lys543fs (NM_001174090.2); c.1385del, p.Lys462fs (NM_001363745.2); c.1442del, p.Lys481fs (NM_001400277.1, NM_001400278.1, NM_001400279.1); c.1514del, p.Lys505fs (NM_001400280.1); c.1547del, p.Lys516fs (NM_032034.4); short protein forms K500fs, K462fs, K481fs, K516fs, K543fs, K505fs.
Identifiers: ClinVar variation 2697765 (VCV002697765.3), dbSNP rs2514539387, ClinGen allele CA2697547270.